The following is an entry in ClinVar:

ClinVar aggregate classification (germline): Uncertain significance. Review status: criteria provided, multiple submitters, no conflicts (2 of 4 stars). 2 submissions from 2 submitters: Uncertain significance (2). Last evaluated 2025-12-14.

Conditions:
Hereditary cancer-predisposing syndrome. Also called: Tumor predisposition; Hereditary neoplastic syndrome; Neoplastic Syndromes, Hereditary; Hereditary Cancer Syndrome. Identifiers: Orphanet 140162, MedGen C0027672, MeSH D009386, MONDO:0015356.
Mitochondrial complex II deficiency, nuclear type 1. Also called: SUCCINATE CoQ REDUCTASE DEFICIENCY. Identifiers: Orphanet 3208, MedGen C5700310, MONDO:0100294, OMIM 252011.
Pheochromocytoma/paraganglioma syndrome 5. Also called: Paragangliomas 5; SDHA-Related Hereditary Paraganglioma-Pheochromocytoma Syndrome. Identifiers: Orphanet 29072, MedGen C3279992, MONDO:0013602, OMIM 614165.

Allele frequency attached by ClinVar (database versions not stated): gnomAD exomes below 0.00001.
gnomAD v4.1: 1 of 1,613,680 alleles (0.000062%); highest among the groups gnomAD compares: Non-Finnish European, 0.000085%; no homozygotes.

Submissions (2):

Labcorp Genetics (formerly Invitae), Labcorp
Classification: Uncertain significance for Pheochromocytoma/paraganglioma syndrome 5; Mitochondrial complex II deficiency, nuclear type 1. Last evaluated: 2025-12-14. Review status: criteria provided, single submitter. Criteria: Invitae Variant Classification Sherloc (09022015). Collection method: clinical testing. Allele origin: germline.
Comment: This sequence change replaces methionine, which is neutral and non-polar, with threonine, which is neutral and polar, at codon 226 of the SDHA protein (p.Met226Thr). This variant is not present in population databases (gnomAD no frequency). This variant has not been reported in the literature in individuals affected with SDHA-related conditions. ClinVar contains an entry for this variant (Variation ID: 1002987). Invitae Evidence Modeling of protein sequence and biophysical properties (such as structural, functional, and spatial information, amino acid conservation, physicochemical variation, residue mobility, and thermodynamic stability) indicates that this missense variant is not expected to disrupt SDHA protein function with a negative predictive value of 95%. In summary, the available evidence is currently insufficient to determine the role of this variant in disease. Therefore, it has been classified as a Variant of Uncertain Significance.

Ambry Genetics
Classification: Uncertain significance for Hereditary cancer-predisposing syndrome. Last evaluated: 2024-05-08. Review status: criteria provided, single submitter. Criteria: Ambry Variant Classification Scheme 2023. Collection method: clinical testing. Allele origin: germline.
Comment: The p.M226T variant (also known as c.677T>C), located in coding exon 6 of the SDHA gene, results from a T to C substitution at nucleotide position 677. The methionine at codon 226 is replaced by threonine, an amino acid with similar properties. This amino acid position is conserved. In addition, this alteration is predicted to be deleterious by in silico analysis. Based on the available evidence, the clinical significance of this variant remains unclear.

NM_004168.4(SDHA):c.677T>C (p.Met226Thr)

Gene: SDHA (succinate dehydrogenase complex flavoprotein subunit A; plus strand). Cytogenetic location: 5p15.33.
Variant type: single nucleotide variant.
Coding change: c.677T>C on transcript NM_004168.4 (MANE Select); coding-DNA position 677, T replaced by C.
Protein change: p.Met226Thr; replaces methionine 226 with threonine.
Molecular consequence: missense variant.
Genome position (GRCh38, 1-based): chr5:228,240, T>C. VCF-style: chr5-228240-T-C. GRCh37 (hg19) VCF-style: chr5-228355-T-C.
Other names: c.533T>C, p.Met178Thr (NM_001294332.2); c.677T>C, p.Met226Thr (NM_001330758.2); c.677T>C (NM_004168.2); short protein forms M178T, M226T.
Identifiers: ClinVar variation 1002987 (VCV001002987.8), dbSNP rs1735165932, ClinGen allele CA359010914.